The following is an entry in ClinVar:

ClinVar aggregate classification (germline): Likely benign (1 of 4 stars; one submission).

Allele frequency attached by ClinVar (database versions not stated): ESP Exome Variant Server 0.00008; 1000 Genomes Project 30x 0.00016; gnomAD 0.00021; TOPMed 0.00025; ExAC 0.00032.
gnomAD v4.1: 497 of 1,613,996 alleles (0.031%); highest among the groups gnomAD compares: Middle Eastern, 0.15%; no homozygotes.

Submission:

CeGaT Center for Human Genetics Tuebingen
Classification: Likely benign. Last evaluated: 2023-10-01. Review status: criteria provided, single submitter. Criteria: CeGaT Center For Human Genetics Tuebingen Variant Classification Criteria Version 2. Collection method: clinical testing. Allele origin: germline. Affected: yes. Observed: 1 variant allele.
Comment: NPAS4: BP4

NM_178864.4(NPAS4):c.875C>T (p.Ala292Val)

Gene: NPAS4 (neuronal PAS domain protein 4; plus strand). Cytogenetic location: 11q13.2.
Variant type: single nucleotide variant.
Coding change: c.875C>T on transcript NM_178864.4 (MANE Select); coding-DNA position 875, C replaced by T.
Protein change: p.Ala292Val; replaces alanine 292 with valine.
Molecular consequence: missense variant.
Genome position (GRCh38, 1-based): chr11:66,423,644, C>T. VCF-style: chr11-66423644-C-T. GRCh37 (hg19) VCF-style: chr11-66191115-C-T.
Other names: c.245C>T, p.Ala82Val (NM_001318804.1); short protein forms A292V, A82V.
Identifiers: ClinVar variation 2641990 (VCV002641990.24), dbSNP rs377483297, ClinGen allele CA6121408.